The following is an entry in ClinVar:

ClinVar aggregate classification (germline): Benign (1 of 4 stars; one submission).

Allele frequency attached by ClinVar (database versions not stated): ExAC 0.00020; gnomAD 0.00058; 1000 Genomes Project 0.00160; 1000 Genomes Project 30x 0.00265.
gnomAD v4.1: 161 of 445,878 alleles (0.036%); highest among the groups gnomAD compares: East Asian, 0.4%; no homozygotes.

Submission:

CeGaT Center for Human Genetics Tuebingen
Classification: Benign. Last evaluated: 2022-08-01. Review status: criteria provided, single submitter. Criteria: CeGaT Center For Human Genetics Tuebingen Variant Classification Criteria Version 2. Collection method: clinical testing. Allele origin: germline. Affected: yes. Observed: 1 variant allele.
Comment: OTUD7A: BS1, BS2

NM_001382637.1(OTUD7A):c.151+5334G>A

Gene: OTUD7A (OTU deubiquitinase 7A; minus strand). Cytogenetic location: 15q13.3.
Variant type: single nucleotide variant.
Coding change: c.151+5334G>A on transcript NM_001382637.1 (MANE Select); 5334 bases into the intron after coding-DNA position 151, G replaced by A.
Molecular consequence: intron variant.
Genome position (GRCh38, 1-based): chr15:31,649,762, C>T on the plus strand (G>A on the coding strand, the complement: OTUD7A is on the minus strand). VCF-style: chr15-31649762-C-T. GRCh37 (hg19) VCF-style: chr15-31941965-C-T.
Other names: c.151+5334G>A (NM_130901.3, NM_001329907.2).
Identifiers: ClinVar variation 2645114 (VCV002645114.24), dbSNP rs146229839, ClinGen allele CA7453975.
Genomic context (GRCh38, chr15:31,649,762, plus strand): 5'-CAGCAGTGGGTGAGGTGAGTGAGCACTCACCACTGCCACCCTCTGTCCCACTGGGTGCAG[C>T]CGGGACCCCTGGACAGCGTGCAGGCAGCAGCGACCGGGCTCAGGAAGGTGGATCACAGTT-3'